The following is an entry in ClinVar:

ClinVar aggregate classification (germline): Uncertain significance (1 of 4 stars; one submission).

Submission:

Women's Health and Genetics/Laboratory Corporation of America, LabCorp
Classification: Uncertain significance. Last evaluated: 2024-10-16. Review status: criteria provided, single submitter. Criteria: LabCorp Variant Classification Summary - May 2015. Collection method: clinical testing. Allele origin: germline.
Comment: Variant summary: CCND2 c.768T>G (p.Asn256Lys) results in a non-conservative amino acid change located in the Cyclin, C-terminal domain (IPR004367) of the encoded protein sequence. Four of five in-silico tools predict a benign effect of the variant on protein function. The variant was absent in 251382 control chromosomes. The available data on variant occurrences in the general population are insufficient to allow any conclusion about variant significance. To our knowledge, no occurrence of c.768T>G in individuals affected with Megalencephaly-Polymicrogyria Syndrome 3 and no experimental evidence demonstrating its impact on protein function have been reported. No submitters have cited clinical-significance assessments for this variant to ClinVar. Based on the evidence outlined above, the variant was classified as uncertain significance.

NM_001759.4(CCND2):c.768T>G (p.Asn256Lys)

Gene: CCND2 (cyclin D2; plus strand). Cytogenetic location: 12p13.32.
Variant type: single nucleotide variant.
Coding change: c.768T>G on transcript NM_001759.4 (MANE Select); coding-DNA position 768, T replaced by G.
Protein change: p.Asn256Lys; replaces asparagine 256 with lysine.
Molecular consequence: missense variant.
Genome position (GRCh38, 1-based): chr12:4,299,907, T>G. VCF-style: chr12-4299907-T-G. GRCh37 (hg19) VCF-style: chr12-4409073-T-G.
Other names: short protein forms N256K.
Identifiers: ClinVar variation 3385248 (VCV003385248.1).
Genomic context (GRCh38, chr12:4,299,907, plus strand): 5'-ACCATTGTTCTAGGATTGTCTCAAAGCTTGCCAGGAGCAGATTGAGGCGGTGCTCCTCAA[T>G]AGCCTGCAGCAGTACCGTCAGGACCAACGTGACGGATCCAAGTCGGAGGATGAACTGGAC-3'
Protein context (NP_001750.1, residues 246-266): CQEQIEAVLL[Asn256Lys]SLQQYRQDQR